The following is an entry in ClinVar:

ClinVar aggregate classification (germline): Uncertain significance (1 of 4 stars; one submission).

Submission:

GeneDx
Classification: Uncertain significance. Last evaluated: 2023-04-18. Review status: criteria provided, single submitter. Criteria: GeneDx Variant Classification Process June 2021. Collection method: clinical testing. Allele origin: germline. Affected: yes.
Comment: Not observed at significant frequency in large population cohorts (gnomAD); In-frame deletion of one amino acid and insertion of two amino acids in a non-repeat region; In silico analysis supports that this variant does not alter protein structure/function; Has not been previously published as pathogenic or benign to our knowledge; In silico analysis is inconclusive as to whether the variant alters gene splicing. In the absence of RNA/functional studies, the actual effect of this sequence change is unknown.; This substitution is predicted to be within the transmembrane segment S2 of the first homologous domain.

NM_001040142.2(SCN2A):c.482delinsAATT (p.Thr161delinsLysPhe)

Gene: SCN2A (sodium voltage-gated channel alpha subunit 2; plus strand). Cytogenetic location: 2q24.3.
Variant type: Indel.
Coding change: c.482delinsAATT on transcript NM_001040142.2 (MANE Select); coding-DNA position 482, C replaced by AATT.
Protein change: p.Thr161delinsLysPhe.
Molecular consequence: inframe indel.
Genome position (GRCh38, 1-based): chr2:165,308,671, C replaced by AATT. VCF-style: chr2-165308671-C-AATT. GRCh37 (hg19) VCF-style: chr2-166165181-C-AATT.
Other names: c.482delinsAATT, p.Thr161delinsLysPhe (NM_001040143.2, NM_001371246.1, NM_001371247.1 and 1 more transcripts).
Identifiers: ClinVar variation 2663593 (VCV002663593.1), dbSNP rs2467883825, ClinGen allele CA2695196971.
Genomic context (GRCh38, chr2:165,308,671, plus strand): 5'-GTACTTGTAAATTAACCACTAGATTTTTAATGTGAGCTTGGCTATTTTCTCTCAGGTATA[C>AATT]CTTTACAGGAATTTATACTTTTGAATCACTTATTAAAATACTTGCAAGGGGCTTTTGTTT-3'